The following is an entry in ClinVar:

ClinVar aggregate classification (germline): Benign/Likely benign. Review status: criteria provided, multiple submitters, no conflicts (2 of 4 stars). 20 submissions from 18 submitters: Benign (13); Likely benign (2). 5 of the submissions do not count toward it. Last evaluated 2026-02-04.

Conditions:
Gnathodiaphyseal dysplasia (GDD). Also called: OSTEOGENESIS IMPERFECTA WITH UNUSUAL SKELETAL LESIONS; GNATHODIAPHYSEAL SCLEROSIS. Identifiers: Orphanet 53697, MedGen C1833736, MONDO:0008151, OMIM 166260.
Autosomal recessive limb-girdle muscular dystrophy type 2L (LGMDR12). Also called: Limb-girdle muscular dystrophy, type 2L; MUSCULAR DYSTROPHY, LIMB-GIRDLE, AUTOSOMAL RECESSIVE 12; Limb-Girdle Muscular Dystrophy R12 Anoctamin-5-Related (LGMD-R12). Identifiers: Orphanet 206549, MedGen C1969785, MONDO:0012652, OMIM 611307.
ANO5-Related Muscle Diseases. Identifiers: MedGen CN180644.
Miyoshi muscular dystrophy 3 (MMD3). Also called: Miyoshi myopathy 3; Miyoshi Muscular Dystrophy 3 (MMD3). Identifiers: Orphanet 399096, MedGen C2750076, MONDO:0013222, OMIM 613319.

Allele frequency attached by ClinVar (database versions not stated): 1000 Genomes Project 30x 0.33307; TOPMed 0.40682; ESP Exome Variant Server 0.44864.
gnomAD v4.1: 870,788 of 1,612,376 alleles (54%); highest among the groups gnomAD compares: Non-Finnish European, 59%; 247,717 homozygotes.

Submissions (20):

Labcorp Genetics (formerly Invitae), Labcorp
Classification: Benign for Autosomal recessive limb-girdle muscular dystrophy type 2L; Gnathodiaphyseal dysplasia. Last evaluated: 2026-02-04. Review status: criteria provided, single submitter. Criteria: Invitae Variant Classification Sherloc (09022015). Collection method: clinical testing. Allele origin: germline.

Women's Health and Genetics/Laboratory Corporation of America, LabCorp
Classification: Likely benign. Last evaluated: 2026-01-26. Review status: criteria provided, single submitter. Criteria: LabCorp Variant Classification Summary - May 2015. Collection method: clinical testing. Allele origin: germline.

Blueprint Genetics
Classification: Benign. Last evaluated: 2024-11-27. Review status: criteria provided, single submitter. Criteria: ACMG Guidelines, 2015. Collection method: clinical testing. Allele origin: germline.

Mayo Clinic Laboratories, Mayo Clinic
Classification: Benign. Last evaluated: 2022-04-26. Review status: criteria provided, single submitter. Criteria: ACMG Guidelines, 2015. Collection method: clinical testing. Allele origin: germline. Observed: 932 variant alleles.

Genome-Nilou Lab
Classification: Benign for Gnathodiaphyseal dysplasia. Last evaluated: 2021-07-14. Review status: criteria provided, single submitter. Criteria: ACMG Guidelines, 2015. Collection method: clinical testing. Allele origin: germline. Affected: no.

Genome-Nilou Lab
Classification: Benign for Miyoshi muscular dystrophy 3. Last evaluated: 2021-07-14. Review status: criteria provided, single submitter. Criteria: ACMG Guidelines, 2015. Collection method: clinical testing. Allele origin: germline. Affected: no.

Genome-Nilou Lab
Classification: Benign for Autosomal recessive limb-girdle muscular dystrophy type 2L. Last evaluated: 2021-07-14. Review status: criteria provided, single submitter. Criteria: ACMG Guidelines, 2015. Collection method: clinical testing. Allele origin: germline. Affected: no.

Illumina Laboratory Services, Illumina
Classification: Benign for ANO5-Related Muscle Diseases. Last evaluated: 2018-01-12. Review status: criteria provided, single submitter. Criteria: ICSL Variant Classification Criteria 13 December 2019. Collection method: clinical testing. Allele origin: germline.
Comment: This variant was observed in the ICSL laboratory as part of a predisposition screen in an ostensibly healthy population. It had not been previously curated by ICSL or reported in the Human Gene Mutation Database (HGMD: prior to June 1st, 2018), and was therefore a candidate for classification through an automated scoring system. Utilizing variant allele frequency, disease prevalence and penetrance estimates, and inheritance mode, an automated score was calculated to assess if this variant is too frequent to cause the disease. Based on the score and internal cut-off values, a variant classified as benign is not then subjected to further curation. The score for this variant resulted in a classification of benign for this disease.

Athena Diagnostics
Classification: Benign. Last evaluated: 2017-07-12. Review status: criteria provided, single submitter. Criteria: Athena Diagnostics Criteria. Collection method: clinical testing. Allele origin: germline.

PreventionGenetics, part of Exact Sciences
Classification: Benign. Last evaluated: 2016-01-07. Review status: criteria provided, single submitter. Criteria: ACMG Guidelines, 2015. Collection method: clinical testing. Allele origin: germline.

Eurofins Ntd Llc (ga)
Classification: Benign. Last evaluated: 2015-07-15. Review status: criteria provided, single submitter. Criteria: EGL Classification Definitions 2015. Collection method: clinical testing. Allele origin: germline. Observed: 16 variant alleles, 11 heterozygotes, 5 homozygotes.

GeneDx
Classification: Benign. Last evaluated: 2015-07-07. Review status: criteria provided, single submitter. Criteria: GeneDx Variant Classification (06012015). Collection method: clinical testing. Allele origin: germline. Affected: yes.
Comment: This variant is considered likely benign or benign based on one or more of the following criteria: it is a conservative change, it occurs at a poorly conserved position in the protein, it is predicted to be benign by multiple in silico algorithms, and/or has population frequency not consistent with disease.

Laboratory for Molecular Medicine, Mass General Brigham Personalized Medicine
Classification: Benign. Last evaluated: 2015-01-13. Review status: criteria provided, single submitter. Criteria: LMM Criteria. Collection method: clinical testing. Allele origin: germline. Observed: 10 variant alleles.
Comment: p.Leu322Phe in exon 10 of ANO5: This variant is not expected to have clinical si gnificance because it has been identified in 41.4% (3559/8600) of European Ameri can chromosomes from a broad population by the NHLBI Exome Sequencing Project (dbSNP rs7481951).

Genetic Services Laboratory, University of Chicago
Classification: Benign for AllHighlyPenetrant. Last evaluated: 2013-08-15. Review status: criteria provided, single submitter. Criteria: ACMG Guidelines, 2007. Collection method: clinical testing. Allele origin: germline. Inheritance: Autosomal recessive inheritance.

Breakthrough Genomics
Classification: Likely benign. Review status: criteria provided, single submitter. Criteria: ACMG Guidelines, 2015. Collection method: not provided. Allele origin: germline. Inheritance: Autosomal recessive inheritance. Affected: yes.

ANO5 @LOVD
No classification provided. Review status: no classification provided. Collection method: not provided. Allele origin: unknown. Not counted in ClinVar's aggregate classification.

Clinical Genetics, Academic Medical Center
Classification: Benign. Review status: no assertion criteria provided. Collection method: clinical testing. Allele origin: germline. Affected: yes. Study: VKGL Data-share Consensus. Not counted in ClinVar's aggregate classification.

Diagnostic Laboratory, Department of Genetics, University Medical Center Groningen
Classification: Benign. Review status: no assertion criteria provided. Collection method: clinical testing. Allele origin: germline. Affected: yes. Study: VKGL Data-share Consensus. Not counted in ClinVar's aggregate classification.

Genome Diagnostics Laboratory, Amsterdam University Medical Center
Classification: Benign. Review status: no assertion criteria provided. Collection method: clinical testing. Allele origin: germline. Affected: yes. Study: VKGL Data-share Consensus. Not counted in ClinVar's aggregate classification.

Joint Genome Diagnostic Labs from Nijmegen and Maastricht, Radboudumc and MUMC+
Classification: Benign. Review status: no assertion criteria provided. Collection method: clinical testing. Allele origin: germline. Affected: yes. Study: VKGL Data-share Consensus. Not counted in ClinVar's aggregate classification.

NM_213599.3(ANO5):c.966A>T (p.Leu322Phe)

Gene: ANO5 (anoctamin 5; plus strand). Cytogenetic location: 11p14.3.
Variant type: single nucleotide variant.
Coding change: c.966A>T on transcript NM_213599.3 (MANE Select); coding-DNA position 966, A replaced by T.
Protein change: p.Leu322Phe; replaces leucine 322 with phenylalanine.
Molecular consequence: missense variant.
Genome position (GRCh38, 1-based): chr11:22,250,324, A>T. VCF-style: chr11-22250324-A-T. GRCh37 (hg19) VCF-style: chr11-22271870-A-T.
Other names: c.963A>T, p.Leu321Phe (NM_001142649.2); short protein forms L322F, L321F.
Identifiers: ClinVar variation 96687 (VCV000096687.37), dbSNP rs7481951, ClinGen allele CA149678.